The following is an entry in ClinVar:

NM_003386.3(ZAN):c.1638T>C (p.Ser546=)

Gene: ZAN (zonadhesin; plus strand). Cytogenetic location: 7q22.1.
Variant type: single nucleotide variant.
Coding change: c.1638T>C on transcript NM_003386.3 (MANE Select); coding-DNA position 1638, T replaced by C.
Protein change: p.Ser546=; no amino-acid change (serine 546 retained).
Molecular consequence: synonymous variant. On other transcripts: non-coding transcript variant (3).
Genome position (GRCh38, 1-based): chr7:100,751,743, T>C. VCF-style: chr7-100751743-T-C. GRCh37 (hg19) VCF-style: chr7-100349366-T-C.
Other names: c.1638T>C, p.Ser546= (NM_173059.3).
Identifiers: ClinVar variation 2657768 (VCV002657768.24), dbSNP rs376655494, ClinGen allele CA4390155.

ClinVar aggregate classification (germline): Likely benign (1 of 4 stars; one submission).

Allele frequency attached by ClinVar (database versions not stated): gnomAD 0.00001; gnomAD exomes 0.00002; TOPMed 0.00002; ExAC 0.00003; ESP Exome Variant Server 0.00008.
gnomAD v4.1: 27 of 1,593,256 alleles (0.0017%); highest among the groups gnomAD compares: Middle Eastern, 0.017%; 1 homozygote.

Submission:

CeGaT Center for Human Genetics Tuebingen
Classification: Likely benign. Last evaluated: 2023-01-01. Review status: criteria provided, single submitter. Criteria: CeGaT Center For Human Genetics Tuebingen Variant Classification Criteria Version 2. Collection method: clinical testing. Allele origin: germline. Affected: yes. Observed: 1 variant allele.
Comment: ZAN: BP4, BP7